The following is an entry in ClinVar:

NM_000059.4(BRCA2):c.7384T>A (p.Ser2462Thr)

Gene: BRCA2 (BRCA2 DNA repair associated; plus strand). Cytogenetic location: 13q13.1.
Variant type: single nucleotide variant.
Coding change: c.7384T>A on transcript NM_000059.4 (MANE Select); coding-DNA position 7384, T replaced by A.
Protein change: p.Ser2462Thr; replaces serine 2462 with threonine.
Molecular consequence: missense variant.
Genome position (GRCh38, 1-based): chr13:32,355,237, T>A. VCF-style: chr13-32355237-T-A. GRCh37 (hg19) VCF-style: chr13-32929374-T-A.
Other names: c.7384T>A (NM_000059.3); short protein forms S2462T.
Identifiers: ClinVar variation 1391359 (VCV001391359.7), dbSNP rs1593918545, ClinGen allele CA387741728.

ClinVar aggregate classification (germline): Uncertain significance. Review status: criteria provided, multiple submitters, no conflicts (2 of 4 stars). 2 submissions from 2 submitters: Uncertain significance (2). Last evaluated 2026-03-18.

Conditions:
Hereditary cancer-predisposing syndrome. Also called: Neoplastic Syndromes, Hereditary; Tumor predisposition; Hereditary Cancer Syndrome; Hereditary neoplastic syndrome. Identifiers: Orphanet 140162, MedGen C0027672, MeSH D009386, MONDO:0015356.
Hereditary breast ovarian cancer syndrome. Also called: Hereditary breast and ovarian cancer; Hereditary breast and ovarian cancer syndrome; Hereditary breast and ovarian cancer syndrome (HBOC); BRCA1- and BRCA2-Associated Hereditary Breast and Ovarian Cancer; Breast and ovarian cancer; Hereditary breast and/or ovarian cancer syndrome. Identifiers: Orphanet 145, MedGen C0677776, MeSH D061325, MONDO:0003582. Disease mechanism: loss of function.

Submissions (2):

Ambry Genetics
Classification: Uncertain significance for Hereditary cancer-predisposing syndrome. Last evaluated: 2026-03-18. Review status: criteria provided, single submitter. Criteria: Ambry Variant Classification Scheme 2023. Collection method: clinical testing. Allele origin: germline.
Comment: The p.S2462T variant (also known as c.7384T>A), located in coding exon 13 of the BRCA2 gene, results from a T to A substitution at nucleotide position 7384. The serine at codon 2462 is replaced by threonine, an amino acid with similar properties. This amino acid position is conserved. In addition, this alteration is predicted to be tolerated by in silico analysis. Based on the available evidence, the clinical significance of this variant remains unclear.

Labcorp Genetics (formerly Invitae), Labcorp
Classification: Uncertain significance for Hereditary breast ovarian cancer syndrome. Last evaluated: 2021-11-05. Review status: criteria provided, single submitter. Criteria: Invitae Variant Classification Sherloc (09022015). Collection method: clinical testing. Allele origin: germline.
Comment: This sequence change replaces serine, which is neutral and polar, with threonine, which is neutral and polar, at codon 2462 of the BRCA2 protein (p.Ser2462Thr). This variant is not present in population databases (gnomAD no frequency). This variant has not been reported in the literature in individuals affected with BRCA2-related conditions. Advanced modeling of protein sequence and biophysical properties (such as structural, functional, and spatial information, amino acid conservation, physicochemical variation, residue mobility, and thermodynamic stability) performed at Invitae indicates that this missense variant is not expected to disrupt BRCA2 protein function. In summary, the available evidence is currently insufficient to determine the role of this variant in disease. Therefore, it has been classified as a Variant of Uncertain Significance.